The following is an entry in ClinVar:

NM_031935.3(HMCN1):c.9769A>G (p.Ser3257Gly)

Gene: HMCN1 (hemicentin 1; plus strand). Cytogenetic location: 1q31.1.
Variant type: single nucleotide variant.
Coding change: c.9769A>G on transcript NM_031935.3 (MANE Select); coding-DNA position 9769, A replaced by G.
Protein change: p.Ser3257Gly; replaces serine 3257 with glycine.
Molecular consequence: missense variant.
Genome position (GRCh38, 1-based): chr1:186,090,799, A>G. VCF-style: chr1-186090799-A-G. GRCh37 (hg19) VCF-style: chr1-186059931-A-G.
Other names: short protein forms S3257G.
Identifiers: ClinVar variation 3525909 (VCV003525909.3).
Genomic context (GRCh38, chr1:186,090,799, plus strand): 5'-CCTAATTATTTCTCCAAAGTTCCTCCAAGTGTTGCTGGTGCTGAAATTCCAAGTGATGTC[A>G]GTGTCCTTCTAGGAGAAAATGTTGAGCTGGTCTGCAATGCAAATGGCATTCCTACTCCAC-3'
Protein context (NP_114141.2, residues 3247-3267): VAGAEIPSDV[Ser3257Gly]VLLGENVELV

ClinVar aggregate classification (germline): Uncertain significance. Review status: criteria provided, multiple submitters, no conflicts (2 of 4 stars). 2 submissions from 2 submitters: Uncertain significance (2). Last evaluated 2024-11-24.

gnomAD v4.1: 5 of 1,612,550 alleles (0.00031%); highest among the groups gnomAD compares: African/African-American, 0.0053%; no homozygotes.

Submissions (2):

Ambry Genetics
Classification: Uncertain significance. Last evaluated: 2024-11-24. Review status: criteria provided, single submitter. Criteria: Ambry Variant Classification Scheme 2023. Collection method: clinical testing. Allele origin: germline.

Labcorp Genetics (formerly Invitae), Labcorp
Classification: Uncertain significance. Last evaluated: 2024-09-29. Review status: criteria provided, single submitter. Criteria: Invitae Variant Classification Sherloc (09022015). Collection method: clinical testing. Allele origin: germline.
Comment: This sequence change replaces serine, which is neutral and polar, with glycine, which is neutral and non-polar, at codon 3257 of the HMCN1 protein (p.Ser3257Gly). This variant is present in population databases (rs768158077, gnomAD 0.007%). This variant has not been reported in the literature in individuals affected with HMCN1-related conditions. An algorithm developed to predict the effect of missense changes on protein structure and function outputs the following: PolyPhen-2: "Benign". The glycine amino acid residue is found in multiple mammalian species, which suggests that this missense change does not adversely affect protein function. In summary, the available evidence is currently insufficient to determine the role of this variant in disease. Therefore, it has been classified as a Variant of Uncertain Significance.